The following is an entry in ClinVar:

ClinVar aggregate classification (germline): Uncertain significance (1 of 4 stars; one submission).

Conditions:
Dilated cardiomyopathy 1W (CMD1W). Identifiers: Orphanet 154, MedGen C1969639, MONDO:0012667, OMIM 611407.

Submission:

Labcorp Genetics (formerly Invitae), Labcorp
Classification: Uncertain significance for Dilated cardiomyopathy 1W. Last evaluated: 2025-11-25. Review status: criteria provided, single submitter. Criteria: Invitae Variant Classification Sherloc (09022015). Collection method: clinical testing. Allele origin: germline.
Comment: This sequence change replaces leucine, which is neutral and non-polar, with phenylalanine, which is neutral and non-polar, at codon 576 of the VCL protein (p.Leu576Phe). This variant is not present in population databases (gnomAD no frequency). This variant has not been reported in the literature in individuals affected with VCL-related conditions. An algorithm developed to predict the effect of missense changes on protein structure and function (PolyPhen-2) suggests that this variant is likely to be disruptive. In summary, the available evidence is currently insufficient to determine the role of this variant in disease. Therefore, it has been classified as a Variant of Uncertain Significance.

NM_014000.3(VCL):c.1726C>T (p.Leu576Phe)

Gene: VCL (vinculin; plus strand). Cytogenetic location: 10q22.2.
Variant type: single nucleotide variant.
Coding change: c.1726C>T on transcript NM_014000.3 (MANE Select); coding-DNA position 1726, C replaced by T.
Protein change: p.Leu576Phe; replaces leucine 576 with phenylalanine.
Molecular consequence: missense variant.
Genome position (GRCh38, 1-based): chr10:74,095,838, C>T. VCF-style: chr10-74095838-C-T. GRCh37 (hg19) VCF-style: chr10-75855596-C-T.
Other names: c.1726C>T, p.Leu576Phe (NM_003373.4); short protein forms L576F.
Identifiers: ClinVar variation 4690972 (VCV004690972.1).
Genomic context (GRCh38, chr10:74,095,838, plus strand): 5'-GCTGACCTGGCTGCCAGAGGGGAAGGGGAGAGTCCTCAGGCACGAGCACTTGCATCTCAG[C>T]TCCAAGACTCCTTAAAGGTAGAAGTCAGGAGCACATATCATTTTACTTTTTATGCTTCCT-3'
Protein context (NP_054706.1, residues 566-586): SPQARALASQ[Leu576Phe]QDSLKDLKAR